The following is an entry in ClinVar:

ClinVar aggregate classification (germline): Uncertain significance (0 of 4 stars; one submission).

Conditions:
NCOA1-related disorder. Also called: NCOA1-related condition.

gnomAD v4.1: 2 of 1,613,756 alleles (0.00012%); highest among the groups gnomAD compares: South Asian, 0.0011%; no homozygotes.

Submission:

PreventionGenetics, part of Exact Sciences
Classification: Uncertain significance for NCOA1-related condition. Last evaluated: 2023-12-07. Review status: no assertion criteria provided. Collection method: clinical testing. Allele origin: germline.
Comment: The NCOA1 c.4219C>T variant is predicted to result in the amino acid substitution p.Pro1407Ser. To our knowledge, this variant has not been reported in the literature. This variant is reported in 0.0033% of alleles in individuals of South Asian descent in gnomAD. At this time, the clinical significance of this variant is uncertain due to the absence of conclusive functional and genetic evidence.

NM_003743.5(NCOA1):c.4219C>T (p.Pro1407Ser)

Gene: NCOA1 (nuclear receptor coactivator 1; plus strand). Cytogenetic location: 2p23.3.
Variant type: single nucleotide variant.
Coding change: c.4219C>T on transcript NM_003743.5 (MANE Select); coding-DNA position 4219, C replaced by T.
Protein change: p.Pro1407Ser; replaces proline 1407 with serine.
Molecular consequence: missense variant. On other transcripts: 3 prime UTR variant (5).
Genome position (GRCh38, 1-based): chr2:24,768,284, C>T. VCF-style: chr2-24768284-C-T. GRCh37 (hg19) VCF-style: chr2-24991153-C-T.
Other names: c.*76C>T (NM_001362950.1, NM_001362952.1, NM_001362955.1 and 1 more transcripts); c.*73C>T (NM_001362954.1); c.4216C>T, p.Pro1406Ser (NM_147233.2); short protein forms P1406S, P1407S.
Identifiers: ClinVar variation 3349718 (VCV003349718.1).
Genomic context (GRCh38, chr2:24,768,284, plus strand): 5'-GTGCAACAGGTTCAGGTGTTTGCTGACGTCCAGTGTACAGTGAATCTGGTAGGCGGGGAC[C>T]CTTACCTGAACCAGCCTGGTCCACTGGGAACTCAAAAGCCCACGTCAGGACCACAGACCC-3'
Protein context (NP_003734.3, residues 1397-1417): QCTVNLVGGD[Pro1407Ser]YLNQPGPLGT